The following is an entry in ClinVar:

NM_006767.4(LZTR1):c.2028C>A (p.His676Gln)

Gene: LZTR1 (leucine zipper like post translational regulator 1; plus strand). Cytogenetic location: 22q11.21.
Variant type: single nucleotide variant.
Coding change: c.2028C>A on transcript NM_006767.4 (MANE Select); coding-DNA position 2028, C replaced by A.
Protein change: p.His676Gln; replaces histidine 676 with glutamine.
Molecular consequence: missense variant.
Genome position (GRCh38, 1-based): chr22:20,995,831, C>A. VCF-style: chr22-20995831-C-A. GRCh37 (hg19) VCF-style: chr22-21350120-C-A.
Other names: short protein forms H676Q.
Identifiers: ClinVar variation 1784692 (VCV001784692.2), dbSNP rs2518623995, ClinGen allele CA410779093.
Genomic context (GRCh38, chr22:20,995,831, plus strand): 5'-GGCATACCTGGAGGGAGCGGGCGCGGAATTCTGTGACATCACTCTGTTGCTTGACGGGCA[C>A]CCACGGCCAGCCCACAAGGCTATCCTGGCCGCCCGCTCCAGGTGGGTGGGGGCTGGACAG-3'
Protein context (NP_006758.2, residues 666-686): FCDITLLLDG[His676Gln]PRPAHKAILA

ClinVar aggregate classification (germline): Uncertain significance (1 of 4 stars; one submission).

Conditions:
Hereditary cancer-predisposing syndrome. Also called: Neoplastic Syndromes, Hereditary; Tumor predisposition; Hereditary Cancer Syndrome; Hereditary neoplastic syndrome. Identifiers: Orphanet 140162, MedGen C0027672, MeSH D009386, MONDO:0015356.
Cardiovascular phenotype. Identifiers: MedGen CN230736.

Submission:

Ambry Genetics
Classification: Uncertain significance for Cardiovascular phenotype; Hereditary cancer-predisposing syndrome. Last evaluated: 2022-09-25. Review status: criteria provided, single submitter. Criteria: Ambry Variant Classification Scheme 2023. Collection method: clinical testing. Allele origin: germline.
Comment: The p.H676Q variant (also known as c.2028C>A), located in coding exon 17 of the LZTR1 gene, results from a C to A substitution at nucleotide position 2028. The histidine at codon 676 is replaced by glutamine, an amino acid with highly similar properties. This amino acid position is conserved. In addition, this alteration is predicted to be tolerated by in silico analysis. Since supporting evidence is limited at this time, the clinical significance of this alteration remains unclear.